The following is an entry in ClinVar:

NM_015559.3(SETBP1):c.4696C>T (p.Gln1566Ter)

Gene: SETBP1 (SET binding protein 1; plus strand). Cytogenetic location: 18q12.3.
Variant type: single nucleotide variant.
Coding change: c.4696C>T on transcript NM_015559.3 (MANE Select); coding-DNA position 4696, C replaced by T.
Protein change: p.Gln1566Ter; replaces glutamine 1566 with a stop codon.
Molecular consequence: nonsense.
Genome position (GRCh38, 1-based): chr18:45,063,603, C>T. VCF-style: chr18-45063603-C-T. GRCh37 (hg19) VCF-style: chr18-42643568-C-T.
Other names: c.4696C>T, p.Gln1566Ter (NM_001379141.1, NM_001379142.1); c.4696C>T (NM_015559.2); short protein forms Q1566*.
Identifiers: ClinVar variation 1460993 (VCV001460993.8), dbSNP rs2073927340, ClinGen allele CA402483952.

ClinVar aggregate classification (germline): Conflicting classifications of pathogenicity. Review status: criteria provided, conflicting classifications (1 of 4 stars). 2 submissions from 2 submitters: Uncertain significance (1); Likely benign (1). Last evaluated 2025-06-20.

Allele frequency attached by ClinVar (database versions not stated): TOPMed below 0.00001.

Submissions (2):

GeneDx
Classification: Uncertain significance. Last evaluated: 2025-06-20. Review status: criteria provided, single submitter. Criteria: GeneDx Variant Classification Process June 2021. Collection method: clinical testing. Allele origin: germline.
Comment: Nonsense variant predicted to result in protein truncation as the last 31 amino acid(s) are lost; Not observed at significant frequency in large population cohorts (gnomAD); Has not been previously published as pathogenic or benign to our knowledge

Labcorp Genetics (formerly Invitae), Labcorp
Classification: Likely benign. Last evaluated: 2022-09-27. Review status: criteria provided, single submitter. Criteria: Invitae Variant Classification Sherloc (09022015). Collection method: clinical testing. Allele origin: germline.